The following is an entry in ClinVar:

NM_003098.3(SNTA1):c.1057C>G (p.Pro353Ala)

Gene: SNTA1 (syntrophin alpha 1; minus strand). Cytogenetic location: 20q11.21.
Variant type: single nucleotide variant.
Coding change: c.1057C>G on transcript NM_003098.3 (MANE Select); coding-DNA position 1057, C replaced by G.
Protein change: p.Pro353Ala; replaces proline 353 with alanine.
Molecular consequence: missense variant.
Genome position (GRCh38, 1-based): chr20:33,410,315, G>C on the plus strand (C>G on the coding strand, the complement: SNTA1 is on the minus strand). VCF-style: chr20-33410315-G-C. GRCh37 (hg19) VCF-style: chr20-31998121-G-C.
Other names: short protein forms P353A.
Identifiers: ClinVar variation 191508 (VCV000191508.1), dbSNP rs786205427, ClinGen allele CA236837.

ClinVar aggregate classification (germline): Uncertain significance (1 of 4 stars; one submission).

Submission:

Biesecker Lab/Clinical Genomics Section, National Institutes of Health
Classification: Uncertain significance. Last evaluated: 2013-06-24. Review status: criteria provided, single submitter. Criteria: Ng et al. (Circ Cardiovasc Genet. 2013). Collection method: research. Allele origin: unknown. Observed: 1 variant allele. Study: ClinSeq.
Comment: The study set was not selected for affection status in relation to any cancer. Pathogenicity categories were based on literature curation. See Pubmed ID:23861362 for details.

Medical sequencing